The following is an entry in ClinVar:

NM_004370.6(COL12A1):c.3967C>G (p.Leu1323Val)

Gene: COL12A1 (collagen type XII alpha 1 chain; minus strand). Cytogenetic location: 6q13.
Variant type: single nucleotide variant.
Coding change: c.3967C>G on transcript NM_004370.6 (MANE Select); coding-DNA position 3967, C replaced by G.
Protein change: p.Leu1323Val; replaces leucine 1323 with valine.
Molecular consequence: missense variant.
Genome position (GRCh38, 1-based): chr6:75,151,900, G>C on the plus strand (C>G on the coding strand, the complement: COL12A1 is on the minus strand). VCF-style: chr6-75151900-G-C. GRCh37 (hg19) VCF-style: chr6-75861616-G-C.
Other names: c.475C>G, p.Leu159Val (NM_080645.3); short protein forms L1323V, L159V.
Identifiers: ClinVar variation 475861 (VCV000475861.12), dbSNP rs759722280, ClinGen allele CA3893577.
Genomic context (GRCh38, chr6:75,151,900, plus strand): 5'-GGCATCACTGTCCTTTTCAGTGCGTACCAATAGCAAACAGCTCCACTCCCTCATCCTTGA[G>C]TTTCTTTGAAGGTGCTTCAACATCGTCTTGTGATTTTCCATCAGTAATGAGCACACCAAT-3'
Protein context (NP_004361.3, residues 1313-1333): QDDVEAPSKK[Leu1323Val]KDEGVELFAI

ClinVar aggregate classification (germline): Uncertain significance. Review status: criteria provided, multiple submitters, no conflicts (2 of 4 stars). 2 submissions from 2 submitters: Uncertain significance (2). Last evaluated 2025-03-26.

Conditions:
Ullrich congenital muscular dystrophy 2 (UCMD2). Identifiers: Orphanet 75840, MedGen C4225314, MONDO:0014654, OMIM 616470.
Bethlem myopathy 2 (BTHLM2). Identifiers: Orphanet 536516, Orphanet 610, MedGen C4225313, MONDO:0034022, OMIM 616471.

Allele frequency attached by ClinVar (database versions not stated): ExAC 0.00001; gnomAD 0.00001; TOPMed 0.00001; gnomAD exomes 0.00002.
gnomAD v4.1: 20 of 1,613,608 alleles (0.0012%); highest among the groups gnomAD compares: Non-Finnish European, 0.0017%; no homozygotes.

Submissions (2):

Labcorp Genetics (formerly Invitae), Labcorp
Classification: Uncertain significance for Bethlem myopathy 2; Ullrich congenital muscular dystrophy 2. Last evaluated: 2025-03-26. Review status: criteria provided, single submitter. Criteria: Invitae Variant Classification Sherloc (09022015). Collection method: clinical testing. Allele origin: germline.
Comment: This sequence change replaces leucine, which is neutral and non-polar, with valine, which is neutral and non-polar, at codon 1323 of the COL12A1 protein (p.Leu1323Val). This variant is present in population databases (rs759722280, gnomAD 0.004%). This variant has not been reported in the literature in individuals affected with COL12A1-related conditions. ClinVar contains an entry for this variant (Variation ID: 475861). Invitae Evidence Modeling of protein sequence and biophysical properties (such as structural, functional, and spatial information, amino acid conservation, physicochemical variation, residue mobility, and thermodynamic stability) has been performed for this missense variant. However, the output from this modeling did not meet the statistical confidence thresholds required to predict the impact of this variant on COL12A1 protein function. In summary, the available evidence is currently insufficient to determine the role of this variant in disease. Therefore, it has been classified as a Variant of Uncertain Significance.

Fulgent Genetics
Classification: Uncertain significance for Ullrich congenital muscular dystrophy 2; Bethlem myopathy 2. Last evaluated: 2018-10-31. Review status: criteria provided, single submitter. Criteria: ACMG Guidelines, 2015. Collection method: clinical testing. Allele origin: unknown.